The following is an entry in ClinVar:

NM_000057.4(BLM):c.3211-3T>C

Gene: BLM (BLM RecQ like helicase; plus strand). Cytogenetic location: 15q26.1.
Variant type: single nucleotide variant.
Coding change: c.3211-3T>C on transcript NM_000057.4 (MANE Select); 3 bases into the intron before coding-DNA position 3211, T replaced by C.
Molecular consequence: intron variant.
Genome position (GRCh38, 1-based): chr15:90,798,187, T>C. VCF-style: chr15-90798187-T-C. GRCh37 (hg19) VCF-style: chr15-91341417-T-C.
Other names: c.3211-3T>C (NM_001287246.2, NM_001287247.2, NM_000057.2); c.2086-3T>C (NM_001287248.2).
Identifiers: ClinVar variation 1052691 (VCV001052691.14), dbSNP rs1897074828, ClinGen allele CA2195299061.

ClinVar aggregate classification (germline): Uncertain significance. Review status: criteria provided, multiple submitters, no conflicts (2 of 4 stars). 3 submissions from 3 submitters: Uncertain significance (2). 1 of the submissions does not count toward it. Last evaluated 2024-12-16.

Conditions:
Hereditary cancer-predisposing syndrome. Also called: Tumor predisposition; Hereditary neoplastic syndrome; Hereditary Cancer Syndrome; Neoplastic Syndromes, Hereditary. Identifiers: Orphanet 140162, MedGen C0027672, MeSH D009386, MONDO:0015356.
Bloom syndrome (BLM). Also called: Bloom-Torre-Machacek syndrome. Identifiers: Orphanet 125, MedGen C0005859, MONDO:0008876, OMIM 210900.

Submissions (3):

Labcorp Genetics (formerly Invitae), Labcorp
Classification: Uncertain significance for Bloom syndrome. Last evaluated: 2024-12-16. Review status: criteria provided, single submitter. Criteria: Invitae Variant Classification Sherloc (09022015). Collection method: clinical testing. Allele origin: germline.
Comment: This sequence change falls in intron 16 of the BLM gene. It does not directly change the encoded amino acid sequence of the BLM protein. It affects a nucleotide within the consensus splice site. This variant is not present in population databases (gnomAD no frequency). This variant has not been reported in the literature in individuals affected with BLM-related conditions. ClinVar contains an entry for this variant (Variation ID: 1052691). Variants that disrupt the consensus splice site are a relatively common cause of aberrant splicing (PMID: 17576681, 9536098). Algorithms developed to predict the effect of sequence changes on RNA splicing suggest that this variant is not likely to affect RNA splicing. In summary, the available evidence is currently insufficient to determine the role of this variant in disease. Therefore, it has been classified as a Variant of Uncertain Significance.

Ambry Genetics
Classification: Uncertain significance for Hereditary cancer-predisposing syndrome. Last evaluated: 2024-11-14. Review status: criteria provided, single submitter. Criteria: Ambry Variant Classification Scheme 2023. Collection method: clinical testing. Allele origin: germline.
Comment: The c.3211-3T>C intronic variant results from a T to C substitution 3 nucleotides upstream from coding exon 16 in the BLM gene. This nucleotide position is not well conserved in available vertebrate species. In silico splice site analysis predicts that this alteration will not have any significant effect on splicing. Based on the available evidence, the clinical significance of this variant remains unclear.

Natera, Inc.
Classification: Uncertain significance for Bloom syndrome. Last evaluated: 2021-02-20. Review status: no assertion criteria provided. Collection method: clinical testing. Allele origin: germline. Not counted in ClinVar's aggregate classification.

Literature cited by the submitters: PubMed 17576681 (cited by Labcorp Genetics (formerly Invitae), Labcorp); PubMed 9536098 (cited by Labcorp Genetics (formerly Invitae), Labcorp).